The following is an entry in ClinVar:

ClinVar aggregate classification (germline): Likely benign. Review status: criteria provided, single submitter (1 of 4 stars). 2 submissions from 2 submitters: Likely benign (1). 1 of the submissions does not count toward it. Last evaluated 2024-07-03.

Conditions:
IFT172-related disorder. Also called: IFT172-related disorders; IFT172-related condition.
Short-rib thoracic dysplasia 10 with or without polydactyly (SRTD10). Identifiers: Orphanet 474, MedGen C3810175, MONDO:0014284, OMIM 615630.
Retinitis pigmentosa 71 (RP71). Identifiers: Orphanet 791, MedGen C4225342, MONDO:0014618, OMIM 616394.

Submissions (2):

Labcorp Genetics (formerly Invitae), Labcorp
Classification: Likely benign for Retinitis pigmentosa 71; Short-rib thoracic dysplasia 10 with or without polydactyly. Last evaluated: 2024-07-03. Review status: criteria provided, single submitter. Criteria: Invitae Variant Classification Sherloc (09022015). Collection method: clinical testing. Allele origin: germline.

PreventionGenetics, part of Exact Sciences
Classification: Likely benign for IFT172-related condition. Last evaluated: 2022-10-21. Review status: no assertion criteria provided. Collection method: clinical testing. Allele origin: germline. Not counted in ClinVar's aggregate classification.
Comment: This variant is classified as likely benign based on ACMG/AMP sequence variant interpretation guidelines (Richards et al. 2015 PMID: 25741868, with internal and published modifications).

NM_015662.3(IFT172):c.2289A>G (p.Gln763=)

Gene: IFT172 (intraflagellar transport 172; minus strand). Cytogenetic location: 2p23.3.
Variant type: single nucleotide variant.
Coding change: c.2289A>G on transcript NM_015662.3 (MANE Select); coding-DNA position 2289, A replaced by G.
Protein change: p.Gln763=; no amino-acid change (glutamine 763 retained).
Molecular consequence: synonymous variant.
Genome position (GRCh38, 1-based): chr2:27,461,422, T>C on the plus strand (A>G on the coding strand, the complement: IFT172 is on the minus strand). VCF-style: chr2-27461422-T-C. GRCh37 (hg19) VCF-style: chr2-27684289-T-C.
Other names: c.2223A>G, p.Gln741= (NM_001410739.1).
Identifiers: ClinVar variation 3353921 (VCV003353921.3).